The following is an entry in ClinVar:

NM_001099922.3(ALG13):c.2754ACC[12] (p.Pro943_Pro945del)

Gene: ALG13 (ALG13 UDP-N-acetylglucosaminyltransferase subunit; plus strand). Cytogenetic location: Xq23.
Variant type: Microsatellite.
Coding change: c.2754ACC[12] on transcript NM_001099922.3 (MANE Select); 12 copies in a row of the 3-base unit ACC starting at c.2754; the reference has 15 copies in a row; three copies, 9 bases deleted.
Protein change: p.Pro943_Pro945del.
Molecular consequence: inframe deletion. On other transcripts: intron variant (5).
Genome position (GRCh38, 1-based): chrX:111,744,762-111,744,770, ACCACCACC deleted; deleting any 9 consecutive bases within chrX:111,744,726-111,744,770 gives the same sequence; the position shown is the placement nearest the transcript's 3' end. VCF-style (leftmost placement, unchanged base first): chrX-111744725-TACCACCACC-T. GRCh37 (hg19) VCF-style: chrX-110987953-TACCACCACC-T.
Other names: c.2520ACC[12], p.Pro865_Pro867del (NM_001257231.2); c.2383+7847ACC[12] (NM_001257237.2, NM_001257234.2, NM_001257230.2); c.2209+7847ACC[12] (NM_001324293.1); c.2695+7847ACC[12] (NM_001324292.2); c.2790_2798del9 (NM_001099922.2).
Identifiers: ClinVar variation 833728 (VCV000833728.17), dbSNP rs750710267, ClinGen allele CA870050814.

ClinVar aggregate classification (germline): Likely benign. Review status: criteria provided, multiple submitters, no conflicts (2 of 4 stars). 3 submissions from 3 submitters: Likely benign (3). Last evaluated 2026-02-27.

Conditions:
ALG13-related disorder. Also called: ALG13-related condition.
Developmental and epileptic encephalopathy, 36 (DEE36). Also called: Congenital disorder of glycosylation, type Is; Epileptic encephalopathy, early infantile, 36; ALG13-CDG. Identifiers: Orphanet 324422, MedGen C4317295, MONDO:0010472, OMIM 300884.

Submissions (3):

PreventionGenetics, part of Exact Sciences
Classification: Likely benign for ALG13-related condition. Last evaluated: 2026-02-27. Review status: criteria provided, single submitter. Criteria: ACMG Guidelines, 2015. Collection method: clinical testing. Allele origin: germline.
Comment: This variant is classified as likely benign based on ACMG/AMP sequence variant interpretation guidelines (Richards et al. 2015 PMID: 25741868, with internal and published modifications).

CeGaT Center for Human Genetics Tuebingen
Classification: Likely benign. Last evaluated: 2025-11-01. Review status: criteria provided, single submitter. Criteria: CeGaT Center For Human Genetics Tuebingen Variant Classification Criteria Version 2. Collection method: clinical testing. Allele origin: germline. Affected: yes. Observed: 1 variant allele.
Comment: ALG13: BS2

Labcorp Genetics (formerly Invitae), Labcorp
Classification: Likely benign for Developmental and epileptic encephalopathy, 36. Last evaluated: 2025-08-29. Review status: criteria provided, single submitter. Criteria: Invitae Variant Classification Sherloc (09022015). Collection method: clinical testing. Allele origin: germline.